The following is an entry in ClinVar:

NM_014055.4(IFT81):c.521A>C (p.Asp174Ala)

Gene: IFT81 (intraflagellar transport 81; plus strand). Cytogenetic location: 12q24.11.
Variant type: single nucleotide variant.
Coding change: c.521A>C on transcript NM_014055.4 (MANE Select); coding-DNA position 521, A replaced by C.
Protein change: p.Asp174Ala; replaces aspartic acid 174 with alanine.
Molecular consequence: missense variant. On other transcripts: 5 prime UTR variant (2), non-coding transcript variant (4).
Genome position (GRCh38, 1-based): chr12:110,134,949, A>C. VCF-style: chr12-110134949-A-C. GRCh37 (hg19) VCF-style: chr12-110572754-A-C.
Other names: c.521A>C, p.Asp174Ala (NM_001143779.2, NM_001347946.2, NM_031473.4); c.-246A>C (NM_001347947.2, NM_001347948.2); short protein forms D174A.
Identifiers: ClinVar variation 1027103 (VCV001027103.6), dbSNP rs373482141, ClinGen allele CA6783108.

ClinVar aggregate classification (germline): Uncertain significance (1 of 4 stars; one submission).

Allele frequency attached by ClinVar (database versions not stated): ExAC 0.00001; gnomAD exomes 0.00001; gnomAD 0.00003 and 0.00004; TOPMed 0.00003; ESP Exome Variant Server 0.00008.
gnomAD v4.1: 10 of 1,607,040 alleles (0.00062%); highest among the groups gnomAD compares: African/African-American, 0.012%; no homozygotes.

Submission:

Labcorp Genetics (formerly Invitae), Labcorp
Classification: Uncertain significance. Last evaluated: 2022-10-17. Review status: criteria provided, single submitter. Criteria: Invitae Variant Classification Sherloc (09022015). Collection method: clinical testing. Allele origin: germline.
Comment: This sequence change replaces aspartic acid, which is acidic and polar, with alanine, which is neutral and non-polar, at codon 174 of the IFT81 protein (p.Asp174Ala). This variant is present in population databases (rs373482141, gnomAD 0.03%). This variant has not been reported in the literature in individuals affected with IFT81-related conditions. ClinVar contains an entry for this variant (Variation ID: 1027103). Algorithms developed to predict the effect of missense changes on protein structure and function (SIFT, PolyPhen-2, Align-GVGD) all suggest that this variant is likely to be disruptive. In summary, the available evidence is currently insufficient to determine the role of this variant in disease. Therefore, it has been classified as a Variant of Uncertain Significance.